The following is an entry in ClinVar:

NM_004273.5(CHST3):c.1184C>T (p.Pro395Leu)

Gene: CHST3 (carbohydrate sulfotransferase 3; plus strand). Cytogenetic location: 10q22.1.
Variant type: single nucleotide variant.
Coding change: c.1184C>T on transcript NM_004273.5 (MANE Select); coding-DNA position 1184, C replaced by T.
Protein change: p.Pro395Leu; replaces proline 395 with leucine.
Molecular consequence: missense variant.
Genome position (GRCh38, 1-based): chr10:72,008,215, C>T. VCF-style: chr10-72008215-C-T. GRCh37 (hg19) VCF-style: chr10-73767973-C-T.
Other names: short protein forms P395L.
Identifiers: ClinVar variation 1371712 (VCV001371712.6), dbSNP rs756147851, ClinGen allele CA5548217.

ClinVar aggregate classification (germline): Uncertain significance (1 of 4 stars; one submission).

Conditions:
Spondyloepiphyseal dysplasia with congenital joint dislocations (SEDCJD). Also called: Chondrodysplasia with Congenital Joint Dislocations, CHST3-Related. Identifiers: Orphanet 263463, MedGen C1837657, MONDO:0007738, OMIM 143095.

Allele frequency attached by ClinVar (database versions not stated): gnomAD exomes 0.00001; TOPMed 0.00002; gnomAD 0.00003.
gnomAD v4.1: 21 of 1,554,716 alleles (0.0014%); highest among the groups gnomAD compares: African/African-American, 0.0027%; no homozygotes.

Submission:

Labcorp Genetics (formerly Invitae), Labcorp
Classification: Uncertain significance for Spondyloepiphyseal dysplasia with congenital joint dislocations. Last evaluated: 2025-05-05. Review status: criteria provided, single submitter. Criteria: Invitae Variant Classification Sherloc (09022015). Collection method: clinical testing. Allele origin: germline.
Comment: This sequence change replaces proline, which is neutral and non-polar, with leucine, which is neutral and non-polar, at codon 395 of the CHST3 protein (p.Pro395Leu). This variant is not present in population databases (gnomAD no frequency). This variant has not been reported in the literature in individuals affected with CHST3-related conditions. ClinVar contains an entry for this variant (Variation ID: 1371712). Invitae Evidence Modeling of protein sequence and biophysical properties (such as structural, functional, and spatial information, amino acid conservation, physicochemical variation, residue mobility, and thermodynamic stability) has been performed for this missense variant. However, the output from this modeling did not meet the statistical confidence thresholds required to predict the impact of this variant on CHST3 protein function. In summary, the available evidence is currently insufficient to determine the role of this variant in disease. Therefore, it has been classified as a Variant of Uncertain Significance.